The following is an entry in ClinVar:

ClinVar aggregate classification (germline): Uncertain significance (1 of 4 stars; one submission).

Conditions:
Hypertrophic cardiomyopathy. Also called: HYPERTROPHIC MYOCARDIOPATHY. Identifiers: Orphanet 217569, MedGen C0007194, MeSH D002312, MONDO:0005045, HP:0001639.

Submission:

All of Us Research Program, National Institutes of Health
Classification: Uncertain significance for Hypertrophic cardiomyopathy. Last evaluated: 2024-09-23. Review status: criteria provided, single submitter. Criteria: ACMG Guidelines, 2015. Collection method: clinical testing. Allele origin: germline. Inheritance: Autosomal dominant inheritance. Observed: 1 variant allele, 1 heterozygote.
Comment: This study involves interpretation of variants in research participants for the purpose of population health screening. Participant phenotype was not available at the time of variant classification. Additional details can be found in publication PMID: 35346344, PMCID: PMC8962531

NM_016203.4(PRKAG2):c.1437+1G>T

Gene: PRKAG2 (protein kinase AMP-activated non-catalytic subunit gamma 2; minus strand). Cytogenetic location: 7q36.1.
Variant type: single nucleotide variant.
Coding change: c.1437+1G>T on transcript NM_016203.4 (MANE Select); the canonical splice donor site of the intron after coding-DNA position 1437, G replaced by T.
Molecular consequence: splice donor variant.
Genome position (GRCh38, 1-based): chr7:151,565,345, C>A on the plus strand (G>T on the coding strand, the complement: PRKAG2 is on the minus strand). VCF-style: chr7-151565345-C-A. GRCh37 (hg19) VCF-style: chr7-151262431-C-A.
Other names: c.1113+1G>T (NM_001407033.1); c.1302+1G>T (NM_001407027.1, NM_001407026.1); c.1305+1G>T (NM_001407024.1, NM_001040633.2); c.774+1G>T (NM_001407037.1); c.762+1G>T (NM_001407038.1); c.1062+1G>T (NM_001304527.2, NM_001407029.1); c.1065+1G>T (NM_001363698.2, NM_001407028.1); c.711+1G>T (NM_001407039.1, NM_001407040.1, NM_001407036.1); and 6 more.
Identifiers: ClinVar variation 3387523 (VCV003387523.1).